The following is an entry in ClinVar:

NM_078480.3(PUF60):c.1569dup (p.Glu524Ter)

Gene: PUF60 (poly(U) binding splicing factor 60; minus strand). Cytogenetic location: 8q24.3.
Variant type: Duplication.
Coding change: c.1569dup on transcript NM_078480.3 (MANE Select); coding-DNA position 1569, one base duplicated (T; older notation c.1569dupT).
Protein change: p.Glu524Ter; replaces glutamic acid 524 with a stop codon.
Molecular consequence: nonsense.
Genome position (GRCh38, 1-based): chr8:143,816,631, A duplicated on the plus strand (T on the coding strand, the reverse complement: PUF60 is on the minus strand). VCF-style (leftmost placement, unchanged base first): chr8-143816630-C-CA. GRCh37 (hg19) VCF-style: chr8-144898800-C-CA.
Other names: c.1440dup, p.Glu481Ter (NM_001136033.3); c.1515dup, p.Glu506Ter (NM_001271096.2); c.1431dup, p.Glu478Ter (NM_001271097.2); c.1566dup, p.Glu523Ter (NM_001271098.2); c.1482dup, p.Glu495Ter (NM_001271099.2); c.1389dup, p.Glu464Ter (NM_001271100.2); c.1680dup, p.Glu561Ter (NM_001362895.2, NM_001362896.2); c.1629dup, p.Glu544Ter (NM_001362897.2); and 1 more; short protein forms E544*, E464*, E507*, E523*, E524*, E561*, E478*, E481*.
Identifiers: ClinVar variation 973253 (VCV000973253.6), dbSNP rs1816322210, ClinGen allele CA1139660811.

ClinVar aggregate classification (germline): Pathogenic. Review status: criteria provided, multiple submitters, no conflicts (2 of 4 stars). 2 submissions from 2 submitters: Pathogenic (2). Last evaluated 2025-12-14.

Conditions:
8q24.3 microdeletion syndrome. Also called: CHROMOSOME 8q24.3 DELETION SYNDROME; Verheij syndrome. Identifiers: Orphanet 508488, MedGen C3810023, MONDO:0014263, OMIM 615583.

Submissions (2):

3billion
Classification: Pathogenic for 8q24.3 microdeletion syndrome. Last evaluated: 2025-12-14. Review status: criteria provided, single submitter. Criteria: ACMG Guidelines, 2015. Collection method: clinical testing. Allele origin: germline. Affected: yes.
Comment: The variant is not observed in the gnomAD v4.1.0 dataset. Predicted Consequence/Location: Stop-gained (nonsense): predicted to result in a loss or disruption of normal protein function through protein truncation. Multiple pathogenic variants are reported in the predicted truncated region. The variant has been previously reported as de novo in a similarly affected individual (PMID: 32371413). The variant has been reported to be associated with PUF60-related disorder (ClinVar ID: VCV000973253 /PMID: 32371413). Therefore, this variant is classified as Pathogenic according to the recommendation of ACMG/AMP guideline.

Institute for Genomic Medicine (IGM) Clinical Laboratory, Nationwide Children's Hospital
Classification: Pathogenic for 8q24.3 microdeletion syndrome. Last evaluated: 2018-12-10. Review status: criteria provided, single submitter. Criteria: ACMG Guidelines, 2015. Collection method: clinical testing. Allele origin: germline. Affected: yes.
Comment: [ACMG/AMP: PVS1, PS2, PM2] This alteration is a null variant in a gene where LOF is a known mechanism of disease [PVS1], is de novo in origin as it was not detected in the submitted parental specimens (identity confirmed) [PS2], is absent from or rarely observed in large-scale population databases [PM2].

Literature cited by the submitters: PubMed 32371413 (cited by 3billion).